The following is an entry in ClinVar:

ClinVar aggregate classification (germline): Uncertain significance. Review status: criteria provided, multiple submitters, no conflicts (2 of 4 stars). 2 submissions from 2 submitters: Uncertain significance (2). Last evaluated 2025-11-01.

Conditions:
Cognitive impairment - coarse facies - heart defects - obesity - pulmonary involvement - short stature - skeletal dysplasia syndrome. Also called: COGNITIVE IMPAIRMENT, COARSE FACIES, HEART DEFECTS, OBESITY, PULMONARY INVOLVEMENT, SHORT STATURE, AND SKELETAL DYSPLASIA; Chops syndrome; AFF4-Related CHOPS Syndrome. Identifiers: Orphanet 444077, MedGen C4085597, MONDO:0014609, OMIM 616368.

Submissions (2):

CeGaT Center for Human Genetics Tuebingen
Classification: Uncertain significance. Last evaluated: 2025-11-01. Review status: criteria provided, single submitter. Criteria: CeGaT Center For Human Genetics Tuebingen Variant Classification Criteria Version 2. Collection method: clinical testing. Allele origin: germline. Affected: yes. Observed: 1 variant allele.
Comment: AFF4: PM2

Labcorp Genetics (formerly Invitae), Labcorp
Classification: Uncertain significance for Cognitive impairment - coarse facies - heart defects - obesity - pulmonary involvement - short stature - skeletal dysplasia syndrome. Last evaluated: 2025-02-06. Review status: criteria provided, single submitter. Criteria: Invitae Variant Classification Sherloc (09022015). Collection method: clinical testing. Allele origin: germline.
Comment: This sequence change replaces alanine, which is neutral and non-polar, with valine, which is neutral and non-polar, at codon 114 of the AFF4 protein (p.Ala114Val). This variant is not present in population databases (gnomAD no frequency). This variant has not been reported in the literature in individuals affected with AFF4-related conditions. Invitae Evidence Modeling of protein sequence and biophysical properties (such as structural, functional, and spatial information, amino acid conservation, physicochemical variation, residue mobility, and thermodynamic stability) has been performed for this missense variant. However, the output from this modeling did not meet the statistical confidence thresholds required to predict the impact of this variant on AFF4 protein function. In summary, the available evidence is currently insufficient to determine the role of this variant in disease. Therefore, it has been classified as a Variant of Uncertain Significance.

NM_014423.4(AFF4):c.341C>T (p.Ala114Val)

Gene: AFF4 (ALF transcription elongation factor 4; minus strand). Cytogenetic location: 5q31.1.
Variant type: single nucleotide variant.
Coding change: c.341C>T on transcript NM_014423.4 (MANE Select); coding-DNA position 341, C replaced by T.
Protein change: p.Ala114Val; replaces alanine 114 with valine.
Molecular consequence: missense variant.
Genome position (GRCh38, 1-based): chr5:132,934,724, G>A on the plus strand (C>T on the coding strand, the complement: AFF4 is on the minus strand). VCF-style: chr5-132934724-G-A. GRCh37 (hg19) VCF-style: chr5-132270416-G-A.
Other names: short protein forms A114V.
Identifiers: ClinVar variation 4535149 (VCV004535149.7).